The following is an entry in ClinVar:

ClinVar aggregate classification (germline): Uncertain significance (1 of 4 stars; one submission).

Submission:

GeneDx
Classification: Uncertain significance. Last evaluated: 2026-03-09. Review status: criteria provided, single submitter. Criteria: GeneDx Variant Classification Process June 2021. Collection method: clinical testing. Allele origin: germline.
Comment: Not observed at significant frequency in large population cohorts (gnomAD); In silico analysis suggests that this missense variant does not alter protein structure/function; Has not been previously published as pathogenic or benign to our knowledge

NM_001822.7(CHN1):c.409A>T (p.Met137Leu)

Gene: CHN1 (chimerin 1; minus strand). Cytogenetic location: 2q31.1.
Variant type: single nucleotide variant.
Coding change: c.409A>T on transcript NM_001822.7 (MANE Select); coding-DNA position 409, A replaced by T.
Protein change: p.Met137Leu; replaces methionine 137 with leucine.
Molecular consequence: missense variant.
Genome position (GRCh38, 1-based): chr2:174,877,980, T>A on the plus strand (A>T on the coding strand, the complement: CHN1 is on the minus strand). VCF-style: chr2-174877980-T-A. GRCh37 (hg19) VCF-style: chr2-175742708-T-A.
Other names: c.409A>T, p.Met137Leu (NM_001025201.4, NM_001371513.1); c.460A>T, p.Met154Leu (NM_001371514.1); short protein forms M137L, M154L.
Identifiers: ClinVar variation 5008091 (VCV005008091.1).